The following is an entry in ClinVar:

NM_000051.4(ATM):c.561_562delinsT (p.Ala188fs)

Gene: ATM (ATM serine/threonine kinase; plus strand). Cytogenetic location: 11q22.3.
Variant type: Indel.
Coding change: c.561_562delinsT on transcript NM_000051.4 (MANE Select); coding-DNA positions 561 to 562, GG replaced by T.
Protein change: p.Ala188fs; shifts the reading frame from alanine 188.
Molecular consequence: frameshift variant.
Genome position (GRCh38, 1-based): chr11:108,244,017-108,244,018, GG replaced by T. VCF-style: chr11-108244017-GG-T. GRCh37 (hg19) VCF-style: chr11-108114744-GG-T.
Other names: c.561_562delinsT, p.Ala188fs (NM_001351834.2); c.561_562delGGinsT (NM_000051.3); short protein forms A188fs.
Identifiers: ClinVar variation 418024 (VCV000418024.4), dbSNP rs1064793031, ClinGen allele CA16619097.

ClinVar aggregate classification (germline): Pathogenic. Review status: criteria provided, multiple submitters, no conflicts (2 of 4 stars). 3 submissions from 3 submitters: Pathogenic (3). Last evaluated 2024-01-09.

Conditions:
Hereditary cancer-predisposing syndrome. Also called: Hereditary neoplastic syndrome; Tumor predisposition; Neoplastic Syndromes, Hereditary; Hereditary Cancer Syndrome. Identifiers: Orphanet 140162, MedGen C0027672, MeSH D009386, MONDO:0015356.
Familial cancer of breast. Also called: Hereditary breast cancer; BREAST CANCER, FAMILIAL; hereditary breast carcinoma. Identifiers: Orphanet 227535, MedGen C0346153, MONDO:0016419, OMIM 114480. Disease mechanism: loss of function.

Submissions (3):

Myriad Genetics, Inc.
Classification: Pathogenic for Familial cancer of breast. Last evaluated: 2024-01-09. Review status: criteria provided, single submitter. Criteria: Myriad Autosomal Dominant, Autosomal Recessive and X-Linked Classification Criteria (2023). Collection method: clinical testing. Allele origin: unknown.
Comment: This variant is considered pathogenic. This variant creates a frameshift predicted to result in premature protein truncation.

Ambry Genetics
Classification: Pathogenic for Hereditary cancer-predisposing syndrome. Last evaluated: 2021-05-08. Review status: criteria provided, single submitter. Criteria: Ambry Variant Classification Scheme 2023. Collection method: clinical testing. Allele origin: germline.
Comment: The c.561_562delGGinsT pathogenic mutation, located in coding exon 5 of the ATM gene, results from the deletion of two nucleotides and insertion of one nucleotide causing a translational frameshift with a predicted alternate stop codon (p.A188Lfs*3). This alteration is expected to result in loss of function by premature protein truncation or nonsense-mediated mRNA decay. As such, this alteration is interpreted as a disease-causing mutation.

GeneDx
Classification: Pathogenic. Last evaluated: 2015-02-13. Review status: criteria provided, single submitter. Criteria: GeneDx Variant Classification (06012015). Collection method: clinical testing. Allele origin: germline. Affected: yes.
Comment: This combined deletion and insertion is denoted ATM c.561_562delGGinsT at the cDNA level and p.Ala188LeufsX3 (A188LfsX3) at the protein level. The normal sequence, with the bases that are deleted and inserted in brackets, is TAGT[delGGinsT]CTAG. This variant causes a frameshift, which changes an Alanine to a Leucine at codon 188, and creates a premature stop codon at position 3 of the new reading frame. Although ATM c.561_562delGGinsT has not been previously reported to our knowledge, it is predicted to cause loss of normal protein function through either protein truncation or nonsense-mediated mRNA decay and is considered pathogenic.The presence of